The following is an entry in ClinVar:

ClinVar aggregate classification (germline): Uncertain significance. Review status: criteria provided, multiple submitters, no conflicts (2 of 4 stars). 2 submissions from 2 submitters: Uncertain significance (2). Last evaluated 2024-11-11.

Conditions:
Inborn genetic diseases. Identifiers: MedGen C0950123, MeSH D030342.

Allele frequency attached by ClinVar (database versions not stated): gnomAD 0.00003; TOPMed 0.00005.
gnomAD v4.1: 4 of 1,613,790 alleles (0.00025%); highest among the groups gnomAD compares: Admixed American, 0.0067%; no homozygotes.

Submissions (2):

Ambry Genetics
Classification: Uncertain significance for Inborn genetic diseases. Last evaluated: 2024-11-11. Review status: criteria provided, single submitter. Criteria: Ambry Variant Classification Scheme 2023. Collection method: clinical testing. Allele origin: germline.

Labcorp Genetics (formerly Invitae), Labcorp
Classification: Uncertain significance. Last evaluated: 2022-05-12. Review status: criteria provided, single submitter. Criteria: Invitae Variant Classification Sherloc (09022015). Collection method: clinical testing. Allele origin: germline.
Comment: This sequence change replaces leucine, which is neutral and non-polar, with proline, which is neutral and non-polar, at codon 222 of the CCBE1 protein (p.Leu222Pro). This variant is not present in population databases (gnomAD no frequency). This variant has not been reported in the literature in individuals affected with CCBE1-related conditions. Algorithms developed to predict the effect of missense changes on protein structure and function (SIFT, PolyPhen-2, Align-GVGD) all suggest that this variant is likely to be disruptive. In summary, the available evidence is currently insufficient to determine the role of this variant in disease. Therefore, it has been classified as a Variant of Uncertain Significance.

NM_133459.4(CCBE1):c.665T>C (p.Leu222Pro)

Gene: CCBE1 (collagen and calcium binding EGF domains 1; minus strand). Cytogenetic location: 18q21.32.
Variant type: single nucleotide variant.
Coding change: c.665T>C on transcript NM_133459.4 (MANE Select); coding-DNA position 665, T replaced by C.
Protein change: p.Leu222Pro; replaces leucine 222 with proline.
Molecular consequence: missense variant.
Genome position (GRCh38, 1-based): chr18:59,448,093, A>G on the plus strand (T>C on the coding strand, the complement: CCBE1 is on the minus strand). VCF-style: chr18-59448093-A-G. GRCh37 (hg19) VCF-style: chr18-57115325-A-G.
Other names: short protein forms L222P.
Identifiers: ClinVar variation 1980999 (VCV001980999.3), dbSNP rs1910767909, ClinGen allele CA402596163.
Genomic context (GRCh38, chr18:59,448,093, plus strand): 5'-TTTGAGGCCAGCACCTTGTCACCAGTGATATACTTGCCCAGGTCAGCTGCATTGTTGGGG[A>G]GCAGAGCAATCTGCAAGGAGAAGAGGAAGCCTCAGTCAGGAAGCAATGGCAGAAGAGAGC-3'
Protein context (NP_597716.1, residues 212-232): VLQLKQKIAL[Leu222Pro]PNNAADLGKY